The following is an entry in ClinVar:

ClinVar aggregate classification (germline): Pathogenic (1 of 4 stars; one submission).

Conditions:
Developmental and epileptic encephalopathy, 1 (DEE1). Also called: X-linked infantile spasms; West's syndrome; Tonic spasms with clustering, arrest of psychomotor development and hypsarrhythmia on EEG; X-Linked Infantile Spasm Syndrome; OHTAHARA SYNDROME, X-LINKED; Epileptic encephalopathy, early infantile, 1. Identifiers: MedGen C3463992, MONDO:0010632, OMIM 308350. Disease mechanism: loss of function.

Submission:

Institute of Human Genetics, University of Leipzig Medical Center
Classification: Pathogenic for Developmental and epileptic encephalopathy, 1. Last evaluated: 2022-06-30. Review status: criteria provided, single submitter. Criteria: ACMG Guidelines, 2015. Collection method: clinical testing. Allele origin: de novo. Affected: yes.
Comment: This variant was identified as de novo (maternity and paternity confirmed)._x000D_ Criteria applied: PVS1, PS2_SUP, PM2_SUP

NM_139058.3(ARX):c.370G>T (p.Glu124Ter)

Genes: ARX (aristaless related homeobox; minus strand), LOC109610631 (aristaless related homeobox polyalanine expansion region; plus strand). Cytogenetic location: Xp21.3.
Variant type: single nucleotide variant.
Coding change: c.370G>T on transcript NM_139058.3 (MANE Select); coding-DNA position 370, G replaced by T.
Protein change: p.Glu124Ter; replaces glutamic acid 124 with a stop codon.
Molecular consequence: nonsense.
Genome position (GRCh38, 1-based): chrX:25,013,625, C>A on the plus strand (G>T on the coding strand, the complement: ARX is on the minus strand). VCF-style: chrX-25013625-C-A. GRCh37 (hg19) VCF-style: chrX-25031742-C-A.
Other names: short protein forms E124*.
Identifiers: ClinVar variation 1697301 (VCV001697301.1), dbSNP rs2147324296, ClinGen allele CA412613321.